The following is an entry in ClinVar:

ClinVar aggregate classification (germline): Likely benign. Review status: criteria provided, multiple submitters, no conflicts (2 of 4 stars). 2 submissions from 2 submitters: Likely benign (2). Last evaluated 2025-02-18.

Allele frequency attached by ClinVar (database versions not stated): gnomAD 0.00001; gnomAD exomes 0.00001 and 0.00002; TOPMed 0.00001; ExAC 0.00002.
gnomAD v4.1: 20 of 1,612,548 alleles (0.0012%); highest among the groups gnomAD compares: Non-Finnish European, 0.0016%; no homozygotes.

Submissions (2):

Labcorp Genetics (formerly Invitae), Labcorp
Classification: Likely benign. Last evaluated: 2025-02-18. Review status: criteria provided, single submitter. Criteria: Invitae Variant Classification Sherloc (09022015). Collection method: clinical testing. Allele origin: germline.

GeneDx
Classification: Likely benign. Last evaluated: 2018-03-13. Review status: criteria provided, single submitter. Criteria: GeneDx Variant Classification (06012015). Collection method: clinical testing. Allele origin: germline. Affected: yes.
Comment: This variant is considered likely benign or benign based on one or more of the following criteria: it is a conservative change, it occurs at a poorly conserved position in the protein, it is predicted to be benign by multiple in silico algorithms, and/or has population frequency not consistent with disease.

NM_032229.3(SLITRK6):c.423G>A (p.Leu141=)

Gene: SLITRK6 (SLIT and NTRK like family member 6; minus strand). Cytogenetic location: 13q31.1.
Variant type: single nucleotide variant.
Coding change: c.423G>A on transcript NM_032229.3 (MANE Select); coding-DNA position 423, G replaced by A.
Protein change: p.Leu141=; no amino-acid change (leucine 141 retained).
Molecular consequence: synonymous variant.
Genome position (GRCh38, 1-based): chr13:85,796,086, C>T on the plus strand (G>A on the coding strand, the complement: SLITRK6 is on the minus strand). VCF-style: chr13-85796086-C-T. GRCh37 (hg19) VCF-style: chr13-86370221-C-T.
Identifiers: ClinVar variation 680193 (VCV000680193.2), dbSNP rs768314544, ClinGen allele CA7015271.